The following is an entry in ClinVar:

NM_015001.3(SPEN):c.7647C>T (p.Val2549=)

Gene: SPEN (spen family transcriptional repressor; plus strand). Cytogenetic location: 1p36.13.
Variant type: single nucleotide variant.
Coding change: c.7647C>T on transcript NM_015001.3 (MANE Select); coding-DNA position 7647, C replaced by T.
Protein change: p.Val2549=; no amino-acid change (valine 2549 retained).
Molecular consequence: synonymous variant.
Genome position (GRCh38, 1-based): chr1:15,933,887, C>T. VCF-style: chr1-15933887-C-T. GRCh37 (hg19) VCF-style: chr1-16260382-C-T.
Other names: c.7647C>T (NM_015001.2).
Identifiers: ClinVar variation 3025454 (VCV003025454.24), dbSNP rs145806207, ClinGen allele CA620138.

ClinVar aggregate classification (germline): Likely benign. Review status: criteria provided, multiple submitters, no conflicts (2 of 4 stars). 3 submissions from 3 submitters: Likely benign (2). 1 of the submissions does not count toward it. Last evaluated 2026-07-01.

Conditions:
SPEN-related disorder. Also called: SPEN-related condition.

Allele frequency attached by ClinVar (database versions not stated): ExAC 0.00102; gnomAD exomes 0.00029; gnomAD 0.00317; TOPMed 0.00345; ESP Exome Variant Server 0.00369; 1000 Genomes Project 0.00439; 1000 Genomes Project 30x 0.00484.
gnomAD v4.1: 922 of 1,613,980 alleles (0.057%); highest among the groups gnomAD compares: African/African-American, 1%; 6 homozygotes.

Submissions (3):

CeGaT Center for Human Genetics Tuebingen
Classification: Likely benign. Last evaluated: 2026-07-01. Review status: criteria provided, single submitter. Criteria: CeGaT Center For Human Genetics Tuebingen Variant Classification Criteria Version 2. Collection method: clinical testing. Allele origin: germline. Affected: yes. Observed: 2 variant alleles.
Comment: SPEN: BP4, BP7, BS1

Blueprint Genetics
Classification: Likely benign. Last evaluated: 2024-05-13. Review status: criteria provided, single submitter. Criteria: ACMG Guidelines, 2015. Collection method: clinical testing. Allele origin: germline.

PreventionGenetics, part of Exact Sciences
Classification: Benign for SPEN-related condition. Last evaluated: 2024-07-22. Review status: no assertion criteria provided. Collection method: clinical testing. Allele origin: germline. Not counted in ClinVar's aggregate classification.
Comment: This variant is classified as benign based on ACMG/AMP sequence variant interpretation guidelines (Richards et al. 2015 PMID: 25741868, with internal and published modifications).